The following is an entry in ClinVar:

ClinVar aggregate classification (germline): Benign/Likely benign. Review status: criteria provided, multiple submitters, no conflicts (2 of 4 stars). 3 submissions from 3 submitters: Benign (1); Likely benign (2). Last evaluated 2026-04-04.

Conditions:
Hereditary cancer-predisposing syndrome. Also called: Hereditary neoplastic syndrome; Neoplastic Syndromes, Hereditary; Tumor predisposition; Hereditary Cancer Syndrome. Identifiers: Orphanet 140162, MedGen C0027672, MeSH D009386, MONDO:0015356.
Familial adenomatous polyposis 1 (FAP1). Also called: FAMILIAL ADENOMATOUS POLYPOSIS 1, ATTENUATED; POLYPOSIS, ADENOMATOUS INTESTINAL. Identifiers: MedGen C2713442, MONDO:0021056, OMIM 175100. Disease mechanism: loss of function.

Submissions (3):

Ambry Genetics
Classification: Likely benign for Hereditary cancer-predisposing syndrome. Last evaluated: 2026-04-04. Review status: criteria provided, single submitter. Criteria: Ambry Variant Classification Scheme 2023. Collection method: clinical testing. Allele origin: germline.

Myriad Genetics, Inc.
Classification: Benign for Familial adenomatous polyposis 1. Last evaluated: 2024-03-26. Review status: criteria provided, single submitter. Criteria: Myriad Autosomal Dominant, Autosomal Recessive and X-Linked Classification Criteria (2023). Collection method: clinical testing. Allele origin: unknown.
Comment: This variant is considered benign. This variant is a silent/synonymous amino acid change and it is not expected to impact splicing.

Labcorp Genetics (formerly Invitae), Labcorp
Classification: Likely benign for Familial adenomatous polyposis 1. Last evaluated: 2023-08-18. Review status: criteria provided, single submitter. Criteria: Invitae Variant Classification Sherloc (09022015). Collection method: clinical testing. Allele origin: germline.

NM_000038.6(APC):c.4284A>G (p.Gly1428=)

Gene: APC (APC regulator of Wnt signaling pathway; plus strand). Cytogenetic location: 5q22.2.
Variant type: single nucleotide variant.
Coding change: c.4284A>G on transcript NM_000038.6 (MANE Select); coding-DNA position 4284, A replaced by G.
Protein change: p.Gly1428=; no amino-acid change (glycine 1428 retained).
Molecular consequence: synonymous variant.
Genome position (GRCh38, 1-based): chr5:112,839,878, A>G. VCF-style: chr5-112839878-A-G. GRCh37 (hg19) VCF-style: chr5-112175575-A-G.
Other names: c.4284A>G (NM_000038.5); c.4284A>G, p.Gly1428= (NM_001127510.3, NM_001354895.2); c.4230A>G, p.Gly1410= (NM_001127511.3); c.4338A>G, p.Gly1446= (NM_001354896.2); c.4314A>G, p.Gly1438= (NM_001354897.2); c.4209A>G, p.Gly1403= (NM_001354898.2); c.4200A>G, p.Gly1400= (NM_001354899.2); c.4161A>G, p.Gly1387= (NM_001354900.2); and 6 more.
Identifiers: ClinVar variation 1114357 (VCV001114357.12), dbSNP rs2149910792, ClinGen allele CA445964437.